The following is an entry in ClinVar:

ClinVar aggregate classification (germline): Uncertain significance (1 of 4 stars; one submission).

gnomAD v4.1: 4 of 1,613,586 alleles (0.00025%); highest among the groups gnomAD compares: Non-Finnish European, 0.00034%; no homozygotes.

Submission:

CeGaT Center for Human Genetics Tuebingen
Classification: Uncertain significance. Last evaluated: 2024-09-01. Review status: criteria provided, single submitter. Criteria: CeGaT Center For Human Genetics Tuebingen Variant Classification Criteria Version 2. Collection method: clinical testing. Allele origin: germline. Affected: yes. Observed: 1 variant allele.
Comment: DNAH9: PM2, BP4

NM_001372.4(DNAH9):c.674G>C (p.Ser225Thr)

Gene: DNAH9 (dynein axonemal heavy chain 9; plus strand). Cytogenetic location: 17p12.
Variant type: single nucleotide variant.
Coding change: c.674G>C on transcript NM_001372.4 (MANE Select); coding-DNA position 674, G replaced by C.
Protein change: p.Ser225Thr; replaces serine 225 with threonine.
Molecular consequence: missense variant.
Genome position (GRCh38, 1-based): chr17:11,610,455, G>C. VCF-style: chr17-11610455-G-C. GRCh37 (hg19) VCF-style: chr17-11513772-G-C.
Other names: short protein forms S225T.
Identifiers: ClinVar variation 3387966 (VCV003387966.14).